The following is an entry in ClinVar:

ClinVar aggregate classification (germline): Uncertain significance (1 of 4 stars; one submission).

Submission:

GeneDx
Classification: Uncertain significance. Last evaluated: 2025-01-19. Review status: criteria provided, single submitter. Criteria: GeneDx Variant Classification Process June 2021. Collection method: clinical testing. Allele origin: germline. Affected: yes.
Comment: Not observed at significant frequency in large population cohorts (gnomAD); In-frame deletion of one amino acid in a non-repeat region; In silico analysis supports a deleterious effect on protein structure/function; Has not been previously published as pathogenic or benign to our knowledge

NM_006421.5(ARFGEF1):c.5167_5169del (p.Glu1723del)

Gene: ARFGEF1 (ARF guanine nucleotide exchange factor 1; minus strand). Cytogenetic location: 8q13.2.
Variant type: Deletion.
Coding change: c.5167_5169del on transcript NM_006421.5 (MANE Select); coding-DNA positions 5167 to 5169, 3 bases deleted (GAG; older notation c.5167_5169delGAG).
Protein change: p.Glu1723del; deletes glutamic acid 1723.
Molecular consequence: non-coding transcript variant (on NR_182117.1).
Genome position (GRCh38, 1-based): chr8:67,201,565-67,201,567, CTC deleted on the plus strand (GAG on the coding strand, the reverse complement: ARFGEF1 is on the minus strand); deleting any 3 consecutive bases within chr8:67,201,565-67,201,569 gives the same sequence; the c. name uses the placement nearest the transcript's 3' end. VCF-style (leftmost placement, unchanged base first): chr8-67201564-TCTC-T. GRCh37 (hg19) VCF-style: chr8-68113799-TCTC-T.
Other names: c.5167_5169del, p.Glu1723del (NM_001413184.1, NM_001413187.1, NM_001413194.1); c.5149_5151del, p.Glu1717del (NM_001413185.1, NM_001413186.1, NM_001413189.1); c.4567_4569del, p.Glu1523del (NM_001413188.1, NM_001413197.1); c.5161_5163del, p.Glu1721del (NM_001413190.1); c.5071_5073del, p.Glu1691del (NM_001413191.1); c.5053_5055del, p.Glu1685del (NM_001413192.1); c.4549_4551del, p.Glu1517del (NM_001413193.1); c.3742_3744del, p.Glu1248del (NM_001413196.1); short protein forms E1248del, E1517del, E1523del, E1685del, E1691del, E1717del, E1721del, E1723del.
Identifiers: ClinVar variation 4070789 (VCV004070789.1).